The following is an entry in ClinVar:

NM_001166108.2(PALLD):c.3254G>C (p.Cys1085Ser)

Genes: CBR4 (carbonyl reductase 4; minus strand), PALLD (palladin, cytoskeletal associated protein; plus strand). Cytogenetic location: 4q32.3.
Variant type: single nucleotide variant.
Coding change: c.3254G>C on transcript NM_001166108.2 (MANE Select); coding-DNA position 3254, G replaced by C.
Protein change: p.Cys1085Ser; replaces cysteine 1085 with serine.
Molecular consequence: missense variant.
Genome position (GRCh38, 1-based): chr4:168,924,974, G>C. VCF-style: chr4-168924974-G-C. GRCh37 (hg19) VCF-style: chr4-169846125-G-C.
Other names: c.2057G>C, p.Cys686Ser (NM_001166109.2); c.1742G>C, p.Cys581Ser (NM_001166110.2); c.1082G>C, p.Cys361Ser (NM_001367567.1, NM_001367569.1); c.1133G>C, p.Cys378Ser (NM_001367568.1, NM_001367570.1); c.3203G>C, p.Cys1068Ser (NM_016081.4); short protein forms C1068S, C1085S, C361S, C378S, C581S, C686S.
Identifiers: ClinVar variation 1018475 (VCV001018475.12), dbSNP rs771679229, ClinGen allele CA358713617.

ClinVar aggregate classification (germline): Uncertain significance. Review status: criteria provided, multiple submitters, no conflicts (2 of 4 stars). 2 submissions from 2 submitters: Uncertain significance (2). Last evaluated 2024-04-05.

Conditions:
Pancreatic adenocarcinoma. Identifiers: MedGen C0281361, MONDO:0006047, HP:0006725.

Submissions (2):

Ambry Genetics
Classification: Uncertain significance. Last evaluated: 2024-04-05. Review status: criteria provided, single submitter. Criteria: Ambry Variant Classification Scheme 2023. Collection method: clinical testing. Allele origin: germline.
Comment: The p.C1068S variant (also known as c.3203G>C), located in coding exon 18 of the PALLD gene, results from a G to C substitution at nucleotide position 3203. The cysteine at codon 1068 is replaced by serine, an amino acid with dissimilar properties. This amino acid position is conserved. In addition, this alteration is predicted to be deleterious by in silico analysis. Since supporting evidence is limited at this time, the clinical significance of this alteration remains unclear.

Labcorp Genetics (formerly Invitae), Labcorp
Classification: Uncertain significance for Pancreatic adenocarcinoma. Last evaluated: 2020-10-08. Review status: criteria provided, single submitter. Criteria: Invitae Variant Classification Sherloc (09022015). Collection method: clinical testing. Allele origin: germline.
Comment: In summary, the available evidence is currently insufficient to determine the role of this variant in disease. Therefore, it has been classified as a Variant of Uncertain Significance. Algorithms developed to predict the effect of missense changes on protein structure and function are either unavailable or do not agree on the potential impact of this missense change (SIFT: "Deleterious"; PolyPhen-2: "Benign"; Align-GVGD: "Class C65"). This variant has not been reported in the literature in individuals with PALLD-related conditions. This variant is not present in population databases (ExAC no frequency). This sequence change replaces cysteine with serine at codon 581 of the PALLD protein (p.Cys581Ser). The cysteine residue is highly conserved and there is a moderate physicochemical difference between cysteine and serine.